The following is an entry in ClinVar:

NM_000394.4(CRYAA):c.199G>C (p.Asp67His)

Gene: CRYAA (crystallin alpha A; plus strand). Cytogenetic location: 21q22.3.
Variant type: single nucleotide variant.
Coding change: c.199G>C on transcript NM_000394.4 (MANE Select); coding-DNA position 199, G replaced by C.
Protein change: p.Asp67His; replaces aspartic acid 67 with histidine.
Molecular consequence: missense variant.
Genome position (GRCh38, 1-based): chr21:43,170,526, G>C. VCF-style: chr21-43170526-G-C. GRCh37 (hg19) VCF-style: chr21-44590636-G-C.
Other names: c.88G>C, p.Asp30His (NM_001363766.1); short protein forms D30H, D67H.
Identifiers: ClinVar variation 863970 (VCV000863970.10), dbSNP rs747872625, ClinGen allele CA410605435.

ClinVar aggregate classification (germline): Uncertain significance (1 of 4 stars; one submission).

Conditions:
Cataract 9 multiple types. Also called: Cataract 9, multiple types, with or without microcornea; Cataract, autosomal recessive congenital 1. Identifiers: Orphanet 1377, MedGen C1858679, MONDO:0011413, OMIM 604219.

Submission:

Labcorp Genetics (formerly Invitae), Labcorp
Classification: Uncertain significance for Cataract 9 multiple types. Last evaluated: 2019-12-04. Review status: criteria provided, single submitter. Criteria: Invitae Variant Classification Sherloc (09022015). Collection method: clinical testing. Allele origin: germline.
Comment: This variant is not present in population databases (ExAC no frequency). In summary, the available evidence is currently insufficient to determine the role of this variant in disease. Therefore, it has been classified as a Variant of Uncertain Significance. Algorithms developed to predict the effect of missense changes on protein structure and function are either unavailable or do not agree on the potential impact of this missense change (SIFT: "Deleterious"; PolyPhen-2: "Probably Damaging"; Align-GVGD: "Class C0"). This variant has not been reported in the literature in individuals with CRYAA-related conditions. This sequence change replaces aspartic acid with histidine at codon 67 of the CRYAA protein (p.Asp67His). The aspartic acid residue is highly conserved and there is a moderate physicochemical difference between aspartic acid and histidine.